The following is an entry in ClinVar:

NM_001040716.2(PC):c.616G>T (p.Val206Leu)

Gene: PC (pyruvate carboxylase; minus strand). Cytogenetic location: 11q13.2.
Variant type: single nucleotide variant.
Coding change: c.616G>T on transcript NM_001040716.2 (MANE Select); coding-DNA position 616, G replaced by T.
Protein change: p.Val206Leu; replaces valine 206 with leucine.
Molecular consequence: missense variant.
Genome position (GRCh38, 1-based): chr11:66,871,069, C>A on the plus strand (G>T on the coding strand, the complement: PC is on the minus strand). VCF-style: chr11-66871069-C-A. GRCh37 (hg19) VCF-style: chr11-66638540-C-A.
Other names: p.V206L:GTG>TTG; c.616G>T, p.Val206Leu (NM_000920.4, NM_022172.3); short protein forms V206L.
Identifiers: ClinVar variation 203920 (VCV000203920.29), dbSNP rs147945506, ClinGen allele CA312918.
Genomic context (GRCh38, chr11:66,871,069, plus strand): 5'-AGGCTGCCCTGCCCTGCTCCCAGCCCTGGGCATCTTCACTCACCTCGTAGCTGTGCACCA[C>A]CCTCATGCCACGCCCTCCACCCCCATAGGCCGCCTTGAAGATGATGGGGAAGCCGTAGGT-3'
Protein context (NP_001035806.1, residues 196-216): AYGGGGRGMR[Val206Leu]VHSYEELEEN

ClinVar aggregate classification (germline): Conflicting classifications of pathogenicity. Review status: criteria provided, conflicting classifications (1 of 4 stars). 6 submissions from 6 submitters: Uncertain significance (1); Benign (3); Likely benign (1). 1 of the submissions does not count toward it. Last evaluated 2026-09-01.

Conditions:
Pyruvate carboxylase deficiency. Also called: Pyruvate Carboxylase Deficiency Disease; ATAXIA WITH LACTIC ACIDOSIS II; LEIGH NECROTIZING ENCEPHALOPATHY DUE TO PYRUVATE CARBOXYLASE DEFICIENCY; LEIGH SYNDROME DUE TO PYRUVATE CARBOXYLASE DEFICIENCY; PC DEFICIENCY. Identifiers: Orphanet 3008, MedGen C0034341, MONDO:0009949, OMIM 266150.

Allele frequency attached by ClinVar (database versions not stated): gnomAD 0.00126 and 0.00163; ESP Exome Variant Server 0.00146; TOPMed 0.00151; gnomAD exomes 0.00256 and 0.00317; ExAC 0.00337; 1000 Genomes Project 30x 0.00390; 1000 Genomes Project 0.00399.
gnomAD v4.1: 4,008 of 1,614,084 alleles (0.25%); highest among the groups gnomAD compares: South Asian, 1.4%; 21 homozygotes.

Submissions (12):

CeGaT Center for Human Genetics Tuebingen
Classification: Benign. Last evaluated: 2026-09-01. Review status: criteria provided, single submitter. Criteria: CeGaT Center For Human Genetics Tuebingen Variant Classification Criteria Version 2. Collection method: clinical testing. Allele origin: germline. Affected: yes. Observed: 2 variant alleles.
Comment: PC: BS1, BS2

Labcorp Genetics (formerly Invitae), Labcorp
Classification: Benign for Pyruvate carboxylase deficiency. Last evaluated: 2026-02-01. Review status: criteria provided, single submitter. Criteria: Invitae Variant Classification Sherloc (09022015). Collection method: clinical testing. Allele origin: germline.

ARUP Laboratories, Molecular Genetics and Genomics, ARUP Laboratories
Classification: Likely benign for Pyruvate carboxylase deficiency. Last evaluated: 2023-10-09. Review status: criteria provided, single submitter. Criteria: ARUP Molecular Germline Variant Investigation Process 2024. Collection method: clinical testing. Allele origin: germline.

GeneDx
Classification: Benign. Last evaluated: 2018-09-14. Review status: criteria provided, single submitter. Criteria: GeneDx Variant Classification Process June 2021. Collection method: clinical testing. Allele origin: germline. Affected: yes.
Comment: Observed in apparent homozygous state in a patient with pyruvate carboxylase deficiency who was also homozygous for another PC variant that the authors concluded was disease causing based on enzyme activity in patient fibroblasts (Ortez et al., 2013); In silico analysis supports that this missense variant does not alter protein structure/function; In addition, in silico splice predictors suggest this variant may lead to abnormal gene splicing. In the absence of RNA/functional studies, the actual effect of this sequence change is unknown.; This variant is associated with the following publications: (PMID: 23973720)

Illumina Laboratory Services, Illumina
Classification: Uncertain significance for Pyruvate carboxylase deficiency. Last evaluated: 2017-04-27. Review status: criteria provided, single submitter. Criteria: ICSL Variant Classification Criteria 13 December 2019. Collection method: clinical testing. Allele origin: germline.
Comment: This variant was observed as part of a predisposition screen in an ostensibly healthy population. A literature search was performed for the gene, cDNA change, and amino acid change (where applicable). Publications were found based on this search. However, the evidence from the literature, in combination with allele frequency data from public databases where available, was not sufficient to rule this variant in or out of causing disease. Therefore, this variant is classified as a variant of unknown significance.

Mayo Clinic Laboratories, Mayo Clinic
Classification: Benign. Last evaluated: 2017-10-12. Review status: no assertion criteria provided. Collection method: clinical testing. Allele origin: unknown. Not counted in ClinVar's aggregate classification.

Dr. Peter K. Rogan Lab, Western University
No classification provided (evidence only). Condition: Malignant tumor of urinary bladder. Review status: no classification provided. Collection method: in vitro. Allele origin: not applicable. Functional consequence: retained intron. Not counted in ClinVar's aggregate classification.

Dr. Peter K. Rogan Lab, Western University
No classification provided (evidence only). Condition: Clear cell carcinoma of kidney. Review status: no classification provided. Collection method: in vitro. Allele origin: not applicable. Functional consequence: retained intron. Not counted in ClinVar's aggregate classification.

Dr. Peter K. Rogan Lab, Western University
No classification provided (evidence only). Condition: Clear cell carcinoma of kidney. Review status: no classification provided. Collection method: in vitro. Allele origin: not applicable. Functional consequence: retained intron. Not counted in ClinVar's aggregate classification.

Dr. Peter K. Rogan Lab, Western University
No classification provided (evidence only). Condition: Thyroid cancer, nonmedullary, 1. Review status: no classification provided. Collection method: in vitro. Allele origin: not applicable. Functional consequence: retained intron. Not counted in ClinVar's aggregate classification.

Dr. Peter K. Rogan Lab, Western University
No classification provided (evidence only). Condition: Nonpapillary renal cell carcinoma. Review status: no classification provided. Collection method: in vitro. Allele origin: not applicable. Functional consequence: retained intron. Not counted in ClinVar's aggregate classification.

Dr. Peter K. Rogan Lab, Western University
No classification provided (evidence only). Condition: Cholangiocarcinoma. Review status: no classification provided. Collection method: in vitro. Allele origin: not applicable. Functional consequence: retained intron. Not counted in ClinVar's aggregate classification.

Literature cited by the submitters: PubMed 23973720 (cited by Illumina Laboratory Services, Illumina).